The following is an entry in ClinVar:

NM_001805.4(CEBPE):c.711G>A (p.Leu237=)

Gene: CEBPE (CCAAT enhancer binding protein epsilon; minus strand). Cytogenetic location: 14q11.2.
Variant type: single nucleotide variant.
Coding change: c.711G>A on transcript NM_001805.4 (MANE Select); coding-DNA position 711, G replaced by A.
Protein change: p.Leu237=; no amino-acid change (leucine 237 retained).
Molecular consequence: synonymous variant.
Genome position (GRCh38, 1-based): chr14:23,117,622, C>T on the plus strand (G>A on the coding strand, the complement: CEBPE is on the minus strand). VCF-style: chr14-23117622-C-T. GRCh37 (hg19) VCF-style: chr14-23586831-C-T.
Other names: c.711G>A (NM_001805.3).
Identifiers: ClinVar variation 1594290 (VCV001594290.10), dbSNP rs367795312, ClinGen allele CA7111118.
Genomic context (GRCh38, chr14:23,117,622, plus strand): 5'-TAGCTCCTGGGTGAGCTGCTCCACGCGGCTGCGGAGGCGCTCGTTCTCTGCCATGTACTC[C>T]AGCACCTTCTGCTGCGTCTCCAGAATGCGCCTCTTGGCCTTGTCTCGGCTCTTGCGCACG-3'
Protein context (NP_001796.2, residues 227-247): RRILETQQKV[Leu237=]EYMAENERLR

ClinVar aggregate classification (germline): Likely benign. Review status: criteria provided, single submitter (1 of 4 stars). 2 submissions from 2 submitters: Likely benign (1). 1 of the submissions does not count toward it. Last evaluated 2021-10-21.

Conditions:
CEBPE-related disorder. Also called: CEBPE-related condition.
Specific granule deficiency. Identifiers: Orphanet 169142, MedGen C0398593, MONDO:0009506.

Allele frequency attached by ClinVar (database versions not stated): gnomAD exomes 0.00001; gnomAD 0.00005 and 0.00006; TOPMed 0.00009; ESP Exome Variant Server 0.00023.

Submissions (2):

Labcorp Genetics (formerly Invitae), Labcorp
Classification: Likely benign for Specific granule deficiency. Last evaluated: 2021-10-21. Review status: criteria provided, single submitter. Criteria: Invitae Variant Classification Sherloc (09022015). Collection method: clinical testing. Allele origin: germline.

PreventionGenetics, part of Exact Sciences
Classification: Likely benign for CEBPE-related condition. Last evaluated: 2023-09-21. Review status: no assertion criteria provided. Collection method: clinical testing. Allele origin: germline. Not counted in ClinVar's aggregate classification.
Comment: This variant is classified as likely benign based on ACMG/AMP sequence variant interpretation guidelines (Richards et al. 2015 PMID: 25741868, with internal and published modifications).